The following is an entry in ClinVar:

ClinVar aggregate classification (germline): Uncertain significance (1 of 4 stars; one submission).

Submission:

Labcorp Genetics (formerly Invitae), Labcorp
Classification: Uncertain significance. Last evaluated: 2024-04-10. Review status: criteria provided, single submitter. Criteria: Invitae Variant Classification Sherloc (09022015). Collection method: clinical testing. Allele origin: germline.
Comment: This sequence change replaces serine, which is neutral and polar, with asparagine, which is neutral and polar, at codon 788 of the CAMTA1 protein (p.Ser788Asn). This variant is not present in population databases (gnomAD no frequency). This variant has not been reported in the literature in individuals affected with CAMTA1-related conditions. Algorithms developed to predict the effect of missense changes on protein structure and function output the following: SIFT: "Not Available"; PolyPhen-2: "Benign"; Align-GVGD: "Not Available". The asparagine amino acid residue is found in multiple mammalian species, which suggests that this missense change does not adversely affect protein function. In summary, the available evidence is currently insufficient to determine the role of this variant in disease. Therefore, it has been classified as a Variant of Uncertain Significance.

NM_015215.4(CAMTA1):c.2363G>A (p.Ser788Asn)

Gene: CAMTA1 (calmodulin binding transcription activator 1; plus strand). Cytogenetic location: 1p36.23.
Variant type: single nucleotide variant.
Coding change: c.2363G>A on transcript NM_015215.4 (MANE Select); coding-DNA position 2363, G replaced by A.
Protein change: p.Ser788Asn; replaces serine 788 with asparagine.
Molecular consequence: missense variant.
Genome position (GRCh38, 1-based): chr1:7,664,910, G>A. VCF-style: chr1-7664910-G-A. GRCh37 (hg19) VCF-style: chr1-7724970-G-A.
Other names: c.2363G>A, p.Ser788Asn (NM_001349610.2, NM_001410737.1, NM_001349609.2); c.2273G>A, p.Ser758Asn (NM_001349612.2, NM_001349608.2); c.2291G>A, p.Ser764Asn (NM_001410738.1); short protein forms S788N, S758N, S764N.
Identifiers: ClinVar variation 2804151 (VCV002804151.3), dbSNP rs2095988357, ClinGen allele CA338134186.